The following is an entry in ClinVar:

NM_014225.6(PPP2R1A):c.754G>A (p.Ala252Thr)

Gene: PPP2R1A (protein phosphatase 2 scaffold subunit Aalpha; plus strand). Cytogenetic location: 19q13.41.
Variant type: single nucleotide variant.
Coding change: c.754G>A on transcript NM_014225.6 (MANE Select); coding-DNA position 754, G replaced by A.
Protein change: p.Ala252Thr; replaces alanine 252 with threonine.
Molecular consequence: missense variant. On other transcripts: non-coding transcript variant (1).
Genome position (GRCh38, 1-based): chr19:52,213,057, G>A. VCF-style: chr19-52213057-G-A. GRCh37 (hg19) VCF-style: chr19-52716310-G-A.
Other names: c.217G>A, p.Ala73Thr (NM_001363656.2); short protein forms A252T, A73T.
Identifiers: ClinVar variation 804149 (VCV000804149.9), dbSNP rs1369485535, ClinGen allele CA407185339.

ClinVar aggregate classification (germline): Conflicting classifications of pathogenicity. Review status: criteria provided, conflicting classifications (1 of 4 stars). 2 submissions from 2 submitters: Uncertain significance (1); Likely benign (1). Last evaluated 2023-04-08.

Conditions:
Houge-Janssens syndrome 2. Also called: Microcephaly-corpus callosum hypoplasia-intellectual disability-facial dysmorphism syndrome; PPP2R1A-Related Neurodevelopmental Disorder; INTELLECTUAL DEVELOPMENTAL DISORDER, AUTOSOMAL DOMINANT 36. Identifiers: Orphanet 457284, MedGen C4225352, MONDO:0014605, OMIM 616362.

Allele frequency attached by ClinVar (database versions not stated): TOPMed below 0.00001; gnomAD exomes 0.00001.
gnomAD v4.1: 18 of 1,608,910 alleles (0.0011%); highest among the groups gnomAD compares: East Asian, 0.0022%; no homozygotes.

Submissions (2):

Labcorp Genetics (formerly Invitae), Labcorp
Classification: Uncertain significance. Last evaluated: 2023-04-08. Review status: criteria provided, single submitter. Criteria: Invitae Variant Classification Sherloc (09022015). Collection method: clinical testing. Allele origin: germline.
Comment: This sequence change replaces alanine, which is neutral and non-polar, with threonine, which is neutral and polar, at codon 252 of the PPP2R1A protein (p.Ala252Thr). This variant has not been reported in the literature in individuals affected with PPP2R1A-related conditions. The frequency data for this variant in the population databases is considered unreliable, as metrics indicate poor data quality at this position in the gnomAD database. ClinVar contains an entry for this variant (Variation ID: 804149). Advanced modeling of protein sequence and biophysical properties (such as structural, functional, and spatial information, amino acid conservation, physicochemical variation, residue mobility, and thermodynamic stability) performed at Invitae indicates that this missense variant is not expected to disrupt PPP2R1A protein function. In summary, the available evidence is currently insufficient to determine the role of this variant in disease. Therefore, it has been classified as a Variant of Uncertain Significance.

Mendelics
Classification: Likely benign for Houge-Janssens syndrome 2. Last evaluated: 2019-05-28. Review status: criteria provided, single submitter. Criteria: Mendelics Assertion Criteria 2017. Collection method: clinical testing. Allele origin: unknown.